The following is an entry in ClinVar:

NM_004448.4(ERBB2):c.250G>A (p.Val84Met)

Gene: ERBB2 (erb-b2 receptor tyrosine kinase 2; plus strand). Cytogenetic location: 17q12.
Variant type: single nucleotide variant.
Coding change: c.250G>A on transcript NM_004448.4 (MANE Select); coding-DNA position 250, G replaced by A.
Protein change: p.Val84Met; replaces valine 84 with methionine.
Molecular consequence: missense variant. On other transcripts: non-coding transcript variant (1), intron variant (1).
Genome position (GRCh38, 1-based): chr17:39,708,345, G>A. VCF-style: chr17-39708345-G-A. GRCh37 (hg19) VCF-style: chr17-37864598-G-A.
Other names: c.160G>A, p.Val54Met (NM_001005862.3, NM_001289938.2, NM_001382782.1 and 1 more transcripts); c.205G>A, p.Val69Met (NM_001289936.2); c.250G>A, p.Val84Met (NM_001289937.2, NM_001382784.1, NM_001382785.1 and 19 more transcripts); c.241G>A, p.Val81Met (NM_001382791.1); c.74-3583G>A (NM_001382804.1); short protein forms V84M, V54M, V69M, V81M.
Identifiers: ClinVar variation 1425259 (VCV001425259.8), dbSNP rs376524324, ClinGen allele CA8533584.

ClinVar aggregate classification (germline): Uncertain significance (1 of 4 stars; one submission).

Allele frequency attached by ClinVar (database versions not stated): ExAC 0.00002; gnomAD exomes 0.00003 and 0.00005; ESP Exome Variant Server 0.00008; 1000 Genomes Project 30x 0.00016; gnomAD 0.00018; 1000 Genomes Project 0.00020; TOPMed 0.00020.
gnomAD v4.1: 75 of 1,614,146 alleles (0.0046%); highest among the groups gnomAD compares: Admixed American, 0.027%; no homozygotes.

Submission:

Labcorp Genetics (formerly Invitae), Labcorp
Classification: Uncertain significance. Last evaluated: 2026-01-11. Review status: criteria provided, single submitter. Criteria: Invitae Variant Classification Sherloc (09022015). Collection method: clinical testing. Allele origin: germline.
Comment: This sequence change replaces valine, which is neutral and non-polar, with methionine, which is neutral and non-polar, at codon 84 of the ERBB2 protein (p.Val84Met). This variant is present in population databases (rs376524324, gnomAD 0.03%). This variant has not been reported in the literature in individuals affected with ERBB2-related conditions. ClinVar contains an entry for this variant (Variation ID: 1425259). Invitae Evidence Modeling of protein sequence and biophysical properties (such as structural, functional, and spatial information, amino acid conservation, physicochemical variation, residue mobility, and thermodynamic stability) indicates that this missense variant is expected to disrupt ERBB2 protein function with a positive predictive value of 80%. In summary, the available evidence is currently insufficient to determine the role of this variant in disease. Therefore, it has been classified as a Variant of Uncertain Significance.